The following is an entry in ClinVar:

ClinVar aggregate classification (germline): Conflicting classifications of pathogenicity. Review status: criteria provided, conflicting classifications (1 of 4 stars). 4 submissions from 4 submitters: Uncertain significance (2); Likely benign (2). Last evaluated 2026-01-26.

Conditions:
Inborn genetic diseases. Identifiers: MedGen C0950123, MeSH D030342.
Hereditary cancer-predisposing syndrome. Also called: Neoplastic Syndromes, Hereditary; Tumor predisposition; Hereditary Cancer Syndrome; Hereditary neoplastic syndrome. Identifiers: Orphanet 140162, MedGen C0027672, MeSH D009386, MONDO:0015356.
Monocytopenia with susceptibility to infections. Also called: MONOCYTOPENIA AND MYCOBACTERIAL INFECTION SYNDROME; MONOCYTOPENIA WITH SUSCEPTIBILITY TO MYCOBACTERIAL, FUNGAL, AND PAPILLOMAVIRUS INFECTIONS AND MYELODYSPLASIA; COMBINED IMMUNODEFICIENCY WITH SUSCEPTIBILITY TO MYCOBACTERIAL, VIRAL, AND FUNGAL INFECTIONS; Dendritic cell, monocyte, B lymphocyte, and natural killer lymphocyte deficiency; IMMUNODEFICIENCY 21; GATA2 DEFICIENCY. Identifiers: Orphanet 228423, MedGen C3280030, MONDO:0013607, OMIM 614172.
Deafness-lymphedema-leukemia syndrome. Also called: Lymphedema, primary, with myelodysplasia; Emberger syndrome. Identifiers: Orphanet 3226, MedGen C3279664, MONDO:0013540, OMIM 614038.

Allele frequency attached by ClinVar (database versions not stated): gnomAD 0.00001; gnomAD exomes 0.00001 and 0.00005; TOPMed 0.00001; ExAC 0.00003.
gnomAD v4.1: 79 of 1,613,934 alleles (0.0049%); highest among the groups gnomAD compares: Non-Finnish European, 0.0065%; no homozygotes.

Submissions (4):

Labcorp Genetics (formerly Invitae), Labcorp
Classification: Likely benign for Monocytopenia with susceptibility to infections; Deafness-lymphedema-leukemia syndrome. Last evaluated: 2026-01-26. Review status: criteria provided, single submitter. Criteria: Invitae Variant Classification Sherloc (09022015). Collection method: clinical testing. Allele origin: germline.

Ambry Genetics
Classification: Likely benign for Inborn genetic diseases. Last evaluated: 2024-08-21. Review status: criteria provided, single submitter. Criteria: Ambry Variant Classification Scheme 2023. Collection method: clinical testing. Allele origin: germline.

Sema4
Classification: Uncertain significance for Hereditary cancer-predisposing syndrome. Last evaluated: 2021-12-16. Review status: criteria provided, single submitter. Criteria: Sema4 Curation Guidelines. Collection method: curation. Allele origin: germline.
Comment: The GATA2 c.1128C>T (p.Tyr376=) variant has not been reported in the literature to our knowledge. It was observed in 2/16220 chromosomes of the African/African American (AFR) subpopulation in the Genome Aggregation Database (PMID: 32461654). This variant has been reported in ClinVar (Variation ID 472434). The nucleotide is moderately conserved and in silico tools that predict the effect of sequence changes on splicing suggest that this variant may not impact splicing, though these predictions have not been confirmed by functional studies. The evidence is insufficient to meet ACMG/AMP criteria for classifying the variant as benign or pathogenic. Thus, the clinical significance of this variant is currently uncertain.

GeneDx
Classification: Uncertain significance. Last evaluated: 2019-07-12. Review status: criteria provided, single submitter. Criteria: GeneDx Variant Classification Process June 2021. Collection method: clinical testing. Allele origin: germline. Affected: yes.
Comment: Has not been previously published as pathogenic or benign to our knowledge

NM_032638.5(GATA2):c.1128C>T (p.Tyr376=)

Gene: GATA2 (GATA binding protein 2; minus strand). Cytogenetic location: 3q21.3.
Variant type: single nucleotide variant.
Coding change: c.1128C>T on transcript NM_032638.5 (MANE Select); coding-DNA position 1128, C replaced by T.
Protein change: p.Tyr376=; no amino-acid change (tyrosine 376 retained).
Molecular consequence: synonymous variant.
Genome position (GRCh38, 1-based): chr3:128,481,834, G>A on the plus strand (C>T on the coding strand, the complement: GATA2 is on the minus strand). VCF-style: chr3-128481834-G-A. GRCh37 (hg19) VCF-style: chr3-128200677-G-A.
Other names: c.1128C>T, p.Tyr376= (NM_001145661.2); c.1086C>T, p.Tyr362= (NM_001145662.1).
Identifiers: ClinVar variation 472434 (VCV000472434.15), dbSNP rs750890699, ClinGen allele CA2599865.
Genomic context (GRCh38, chr3:128,481,834, plus strand): 5'-AGGTCCCCTGGGAGGGGCGGGGTGGCCGGGGCGGGGCGCACTCACATTGTGCAGCTTGTA[G>A]TAGAGGCCACAGGCGTTGCAGACAGGGTCCCCGTTGGCGTTTCGGCGCCATAAGGTGGTG-3'
Protein context (NP_116027.2, residues 366-386): GDPVCNACGL[Tyr376=]YKLHNVNRPL